The following is an entry in ClinVar:

NM_017433.5(MYO3A):c.4586+2T>C

Gene: MYO3A (myosin IIIA; plus strand). Cytogenetic location: 10p12.1.
Variant type: single nucleotide variant.
Coding change: c.4586+2T>C on transcript NM_017433.5 (MANE Select); the canonical splice donor site of the intron after coding-DNA position 4586, T replaced by C.
Molecular consequence: splice donor variant.
Genome position (GRCh38, 1-based): chr10:26,201,307, T>C. VCF-style: chr10-26201307-T-C. GRCh37 (hg19) VCF-style: chr10-26490236-T-C.
Identifiers: ClinVar variation 939260 (VCV000939260.8), dbSNP rs1843661582, ClinGen allele CA376338293.

ClinVar aggregate classification (germline): Likely pathogenic (1 of 4 stars; one submission).

Submission:

Labcorp Genetics (formerly Invitae), Labcorp
Classification: Likely pathogenic. Last evaluated: 2019-06-21. Review status: criteria provided, single submitter. Criteria: Invitae Variant Classification Sherloc (09022015). Collection method: clinical testing. Allele origin: germline.
Comment: Algorithms developed to predict the effect of sequence changes on RNA splicing suggest that this variant may disrupt the consensus splice site, but this prediction has not been confirmed by published transcriptional studies. In summary, the currently available evidence indicates that the variant is pathogenic, but additional data are needed to prove that conclusively. Therefore, this variant has been classified as Likely Pathogenic. Donor and acceptor splice site variants typically lead to a loss of protein function (PMID: 16199547), and loss-of-function variants in MYO3A are known to be pathogenic (PMID: 12032315, 23990876). This variant has not been reported in the literature in individuals with MYO3A-related disease. This variant is not present in population databases (ExAC no frequency). This sequence change affects a donor splice site in intron 33 of the MYO3A gene. It is expected to disrupt RNA splicing and likely results in an absent or disrupted protein product.

Literature cited by the submitters: PubMed 16199547; PubMed 12032315; PubMed 23990876.